The following is an entry in ClinVar:

NM_014844.5(TECPR2):c.2630G>A (p.Gly877Glu)

Gene: TECPR2 (tectonin beta-propeller repeat containing 2; plus strand). Cytogenetic location: 14q32.31.
Variant type: single nucleotide variant.
Coding change: c.2630G>A on transcript NM_014844.5 (MANE Select); coding-DNA position 2630, G replaced by A.
Protein change: p.Gly877Glu; replaces glycine 877 with glutamic acid.
Molecular consequence: missense variant.
Genome position (GRCh38, 1-based): chr14:102,440,487, G>A. VCF-style: chr14-102440487-G-A. GRCh37 (hg19) VCF-style: chr14-102906824-G-A.
Other names: c.2630G>A, p.Gly877Glu (NM_001172631.3); short protein forms G877E.
Identifiers: ClinVar variation 2139319 (VCV002139319.1), dbSNP rs2504437205, ClinGen allele CA391066675.
Genomic context (GRCh38, chr14:102,440,487, plus strand): 5'-TTTCCATAGGAGCCCTTCTCTGGAAGATTGAACAGAAATCTAACCGGGCTTTTGCTTGTG[G>A]GAAAGTCACCATCAAGGGGAAGCGGCACTGGTACGAAGCCCTGCCCCAGGCAGTGTTTGT-3'
Protein context (NP_055659.2, residues 867-887): EQKSNRAFAC[Gly877Glu]KVTIKGKRHW

ClinVar aggregate classification (germline): Uncertain significance (1 of 4 stars; one submission).

Conditions:
Hereditary spastic paraplegia 49 (HSAN9). Also called: Spastic paraplegia 49, autosomal recessive; TECPR2-Related Hereditary Sensory and Autonomic Neuropathy with Intellectual Disability; NEUROPATHY, HEREDITARY SENSORY AND AUTONOMIC, TYPE IX, WITH DEVELOPMENTAL DELAY. Identifiers: Orphanet 320385, MedGen C5190860, MONDO:0014016, OMIM 615031.

Allele frequency attached by ClinVar (database versions not stated): gnomAD exomes 0.00003.
gnomAD v4.1: 28 of 1,614,232 alleles (0.0017%); highest among the groups gnomAD compares: Non-Finnish European, 0.0023%; no homozygotes.

Submission:

Labcorp Genetics (formerly Invitae), Labcorp
Classification: Uncertain significance for Hereditary spastic paraplegia 49. Last evaluated: 2021-06-01. Review status: criteria provided, single submitter. Criteria: Invitae Variant Classification Sherloc (09022015). Collection method: clinical testing. Allele origin: germline.
Comment: This sequence change replaces glycine with glutamic acid at codon 877 of the TECPR2 protein (p.Gly877Glu). The glycine residue is moderately conserved and there is a moderate physicochemical difference between glycine and glutamic acid. This variant is not present in population databases (ExAC no frequency). This variant has not been reported in the literature in individuals with TECPR2-related disease. Algorithms developed to predict the effect of missense changes on protein structure and function are either unavailable or do not agree on the potential impact of this missense change (SIFT: "Deleterious"; PolyPhen-2: "Possibly Damaging"; Align-GVGD: "Class C0"). In summary, the available evidence is currently insufficient to determine the role of this variant in disease. Therefore, it has been classified as a Variant of Uncertain Significance.